The following is an entry in ClinVar:

ClinVar aggregate classification (germline): Conflicting classifications of pathogenicity. Review status: criteria provided, conflicting classifications (1 of 4 stars). 4 submissions from 4 submitters: Uncertain significance (1); Likely benign (3). Last evaluated 2026-01-27.

Conditions:
Immunodeficiency, common variable, 12 (CVID12). Also called: NFKB1 DEFICIENCY; IMMUNODEFICIENCY, COMMON VARIABLE, 12, WITH AUTOIMMUNITY. Identifiers: Orphanet 1572, Orphanet 696874, MedGen C4225277, MONDO:0014697, OMIM 616576.

Allele frequency attached by ClinVar (database versions not stated): gnomAD 0.00007; TOPMed 0.00011; ExAC 0.00018; gnomAD exomes 0.00018; ESP Exome Variant Server 0.00023.
gnomAD v4.1: 125 of 1,613,528 alleles (0.0077%); highest among the groups gnomAD compares: Non-Finnish European, 0.004%; no homozygotes.

Submissions (4):

Labcorp Genetics (formerly Invitae), Labcorp
Classification: Likely benign. Last evaluated: 2026-01-27. Review status: criteria provided, single submitter. Criteria: Invitae Variant Classification Sherloc (09022015). Collection method: clinical testing. Allele origin: germline.

Blueprint Genetics
Classification: Likely benign. Last evaluated: 2023-10-04. Review status: criteria provided, single submitter. Criteria: ACMG Guidelines, 2015. Collection method: clinical testing. Allele origin: germline.

CeGaT Center for Human Genetics Tuebingen
Classification: Likely benign. Last evaluated: 2023-02-01. Review status: criteria provided, single submitter. Criteria: CeGaT Center For Human Genetics Tuebingen Variant Classification Criteria Version 2. Collection method: clinical testing. Allele origin: germline. Affected: yes. Observed: 1 variant allele.
Comment: NFKB1: BP4

Revvity Omics, Revvity
Classification: Uncertain significance for Immunodeficiency, common variable, 12. Last evaluated: 2021-11-18. Review status: criteria provided, single submitter. Criteria: ACMG Guidelines, 2015. Collection method: clinical testing. Allele origin: germline.

NM_003998.4(NFKB1):c.1948G>A (p.Gly650Arg)

Gene: NFKB1 (nuclear factor kappa B subunit 1; plus strand). Cytogenetic location: 4q24.
Variant type: single nucleotide variant.
Coding change: c.1948G>A on transcript NM_003998.4 (MANE Select); coding-DNA position 1948, G replaced by A.
Protein change: p.Gly650Arg; replaces glycine 650 with arginine.
Molecular consequence: missense variant.
Genome position (GRCh38, 1-based): chr4:102,606,691, G>A. VCF-style: chr4-102606691-G-A. GRCh37 (hg19) VCF-style: chr4-103527848-G-A.
Other names: c.1945G>A, p.Gly649Arg (NM_001165412.2, NM_001319226.2, NM_001382627.1); c.1948G>A, p.Gly650Arg (NM_001382625.1, NM_001382626.1); c.1906G>A, p.Gly636Arg (NM_001382628.1); short protein forms G636R, G649R, G650R.
Identifiers: ClinVar variation 1598007 (VCV001598007.40), dbSNP rs375088091, ClinGen allele CA3026280.
Genomic context (GRCh38, chr4:102,606,691, plus strand): 5'-AAAGTTCTCAGTATCTTACTCAAGCACAAAAAGGCAGCACTACTTCTTGACCACCCCAAC[G>A]GGGACGGTAAGAGACAATCACACATCATTGGTGTAACTTTCTCCACCTTCTAAATATCTA-3'
Protein context (NP_003989.2, residues 640-660): KAALLLDHPN[Gly650Arg]DGLNAIHLAM